The following is an entry in ClinVar:

NM_002485.5(NBN):c.827C>G (p.Thr276Arg)

Gene: NBN (nibrin; minus strand). Cytogenetic location: 8q21.3.
Variant type: single nucleotide variant.
Coding change: c.827C>G on transcript NM_002485.5 (MANE Select); coding-DNA position 827, C replaced by G.
Protein change: p.Thr276Arg; replaces threonine 276 with arginine.
Molecular consequence: missense variant.
Genome position (GRCh38, 1-based): chr8:89,970,433, G>C on the plus strand (C>G on the coding strand, the complement: NBN is on the minus strand). VCF-style: chr8-89970433-G-C. GRCh37 (hg19) VCF-style: chr8-90982661-G-C.
Other names: c.581C>G, p.Thr194Arg (NM_001024688.3); short protein forms T276R, T194R.
Identifiers: ClinVar variation 219906 (VCV000219906.20), dbSNP rs864622304, ClinGen allele CA349372.

ClinVar aggregate classification (germline): Uncertain significance. Review status: criteria provided, multiple submitters, no conflicts (2 of 4 stars). 6 submissions from 6 submitters: Uncertain significance (5). 1 of the submissions does not count toward it. Last evaluated 2025-06-05.

Conditions:
Hereditary cancer-predisposing syndrome. Also called: Tumor predisposition; Hereditary neoplastic syndrome; Neoplastic Syndromes, Hereditary; Hereditary Cancer Syndrome. Identifiers: Orphanet 140162, MedGen C0027672, MeSH D009386, MONDO:0015356.
Microcephaly, normal intelligence and immunodeficiency (NBS). Also called: Immunodeficiency, microcephaly with normal intelligence; BERLIN BREAKAGE SYNDROME; IMMUNODEFICIENCY, MICROCEPHALY, AND CHROMOSOMAL INSTABILITY; SEEMANOVA SYNDROME II; Ataxia telangiectasia variant V1; Nijmegen breakage syndrome. Identifiers: Orphanet 647, MedGen C0398791, MONDO:0009623, OMIM 251260.
Aplastic anemia. Identifiers: Orphanet 182040, Orphanet 88, MedGen C0002874, MONDO:0015909, OMIM 609135, HP:0001915.

Allele frequency attached by ClinVar (database versions not stated): gnomAD 0.00001.

Submissions (6):

Labcorp Genetics (formerly Invitae), Labcorp
Classification: Uncertain significance for Microcephaly, normal intelligence and immunodeficiency. Last evaluated: 2025-06-05. Review status: criteria provided, single submitter. Criteria: Invitae Variant Classification Sherloc (09022015). Collection method: clinical testing. Allele origin: germline.
Comment: This sequence change replaces threonine, which is neutral and polar, with arginine, which is basic and polar, at codon 276 of the NBN protein (p.Thr276Arg). This variant is present in population databases (no rsID available, gnomAD 0.01%). This variant has not been reported in the literature in individuals affected with NBN-related conditions. ClinVar contains an entry for this variant (Variation ID: 219906). An algorithm developed to predict the effect of missense changes on protein structure and function (PolyPhen-2) suggests that this variant is likely to be disruptive. In summary, the available evidence is currently insufficient to determine the role of this variant in disease. Therefore, it has been classified as a Variant of Uncertain Significance.

Ambry Genetics
Classification: Uncertain significance for Hereditary cancer-predisposing syndrome. Last evaluated: 2024-10-25. Review status: criteria provided, single submitter. Criteria: Ambry Variant Classification Scheme 2023. Collection method: clinical testing. Allele origin: germline.

Baylor Genetics
Classification: Uncertain significance for Aplastic anemia. Last evaluated: 2024-03-29. Review status: criteria provided, single submitter. Criteria: ACMG Guidelines, 2015. Collection method: clinical testing. Allele origin: unknown.

Genome-Nilou Lab
Classification: Uncertain significance for Microcephaly, normal intelligence and immunodeficiency. Last evaluated: 2021-11-07. Review status: criteria provided, single submitter. Criteria: ACMG Guidelines, 2015. Collection method: clinical testing. Allele origin: germline. Affected: no.

Quest Diagnostics Nichols Institute San Juan Capistrano
Classification: Uncertain significance. Last evaluated: 2021-08-26. Review status: criteria provided, single submitter. Criteria: Quest Diagnostics criteria. Collection method: clinical testing. Allele origin: unknown.

Natera, Inc.
Classification: Uncertain significance for Nijmegen breakage syndrome. Last evaluated: 2020-01-24. Review status: no assertion criteria provided. Collection method: clinical testing. Allele origin: germline. Not counted in ClinVar's aggregate classification.